The following is an entry in ClinVar:

NM_004994.3(MMP9):c.1888C>T (p.Arg630Trp)

Genes: MMP9 (matrix metallopeptidase 9; plus strand), SLC12A5-AS1 (SLC12A5 and MMP9 antisense RNA 1; minus strand), LOC130065978 (ATAC-STARR-seq lymphoblastoid silent region 12969; plus strand). Cytogenetic location: 20q13.12.
Variant type: single nucleotide variant.
Coding change: c.1888C>T on transcript NM_004994.3 (MANE Select); coding-DNA position 1888, C replaced by T.
Protein change: p.Arg630Trp; replaces arginine 630 with tryptophan.
Molecular consequence: missense variant. On other transcripts: non-coding transcript variant (1).
Genome position (GRCh38, 1-based): chr20:46,014,261, C>T. VCF-style: chr20-46014261-C-T. GRCh37 (hg19) VCF-style: chr20-44642900-C-T.
Other names: short protein forms R630W.
Identifiers: ClinVar variation 2128992 (VCV002128992.4), dbSNP rs1233986311, ClinGen allele CA409225277.

ClinVar aggregate classification (germline): Uncertain significance (1 of 4 stars; one submission).

Allele frequency attached by ClinVar (database versions not stated): TOPMed below 0.00001; gnomAD 0.00001.

Submission:

Labcorp Genetics (formerly Invitae), Labcorp
Classification: Uncertain significance. Last evaluated: 2022-12-06. Review status: criteria provided, single submitter. Criteria: Invitae Variant Classification Sherloc (09022015). Collection method: clinical testing. Allele origin: germline.
Comment: This sequence change replaces arginine, which is basic and polar, with tryptophan, which is neutral and slightly polar, at codon 630 of the MMP9 protein (p.Arg630Trp). In summary, the available evidence is currently insufficient to determine the role of this variant in disease. Therefore, it has been classified as a Variant of Uncertain Significance. Advanced modeling of protein sequence and biophysical properties (such as structural, functional, and spatial information, amino acid conservation, physicochemical variation, residue mobility, and thermodynamic stability) performed at Invitae indicates that this missense variant is not expected to disrupt MMP9 protein function. This variant has not been reported in the literature in individuals affected with MMP9-related conditions. The frequency data for this variant in the population databases is considered unreliable, as metrics indicate poor data quality at this position in the gnomAD database.